The following is an entry in ClinVar:

NM_000368.5(TSC1):c.913G>C (p.Gly305Arg)

Gene: TSC1 (TSC complex subunit 1; minus strand). Cytogenetic location: 9q34.13.
Variant type: single nucleotide variant.
Coding change: c.913G>C on transcript NM_000368.5 (MANE Select); coding-DNA position 913, G replaced by C.
Protein change: p.Gly305Arg; replaces glycine 305 with arginine.
Molecular consequence: missense variant. On other transcripts: 5 prime UTR variant (5), non-coding transcript variant (5).
Genome position (GRCh38, 1-based): chr9:132,912,282, C>G on the plus strand (G>C on the coding strand, the complement: TSC1 is on the minus strand). VCF-style: chr9-132912282-C-G. GRCh37 (hg19) VCF-style: chr9-135787669-C-G.
Other names: c.913G>C, p.Gly305Arg (NM_001162426.2, NM_001406592.1, NM_001406593.1 and 16 more transcripts); c.760G>C, p.Gly254Arg (NM_001162427.2, NM_001406610.1, NM_001406611.1 and 2 more transcripts); c.550G>C, p.Gly184Arg (NM_001362177.2, NM_001406614.1, NM_001406615.1 and 10 more transcripts); c.-39G>C (NM_001406626.1, NM_001406627.1, NM_001406628.1); c.-181G>C (NM_001406629.1, NM_001406630.1); short protein forms G184R, G254R, G305R.
Identifiers: ClinVar variation 2636244 (VCV002636244.1), dbSNP rs118203468, ClinGen allele CA375368965.

ClinVar aggregate classification (germline): Likely pathogenic (1 of 4 stars; one submission).

Conditions:
TSC1-related disorder. Also called: TSC1-related condition.

Submission:

PreventionGenetics, part of Exact Sciences
Classification: Likely pathogenic for TSC1-related condition. Last evaluated: 2022-10-18. Review status: criteria provided, single submitter. Criteria: ACMG Guidelines, 2015. Collection method: clinical testing. Allele origin: germline.
Comment: The TSC1 c.913G>C variant is predicted to result in the amino acid substitution p.Gly305Arg. This variant occurs at the last nucleotide of exon 9 and is predicted to alter splicing based on available splicing prediction programs (Alamut Visual v2.11). However, the use of computer prediction programs is not equivalent to functional evidence. To our knowledge, this variant has not been reported in the literature or in a large population database, indicating this variant is rare. This variant is interpreted as likely pathogenic.